The following is an entry in ClinVar:

ClinVar aggregate classification (germline): Uncertain significance (1 of 4 stars; one submission).

Conditions:
POLG-related disorder. Also called: POLG-related condition; POLG-Related Disorders; POLG-Related Spectrum Disorders. Identifiers: MedGen C4763519.

Submission:

Myriad Genetics, Inc.
Classification: Uncertain significance for POLG-related disorder. Last evaluated: 2026-07-20. Review status: criteria provided, single submitter. Criteria: Myriad Autosomal Dominant, Autosomal Recessive and X-Linked Classification Criteria (2023). Collection method: clinical testing. Allele origin: unknown.
Comment: NM_002693.2(POLG):c.146_166del21(Q49_Q55del) is an in-frame deletion classified as a variant of uncertain significance in the context of POLG-related disorders. Q49_Q55del has not been observed in cases with relevant disease. Relevant functional assessments of this variant are not available in the literature. Q49_Q55del has not been observed in referenced population frequency databases. In summary, there is insufficient evidence to classify NM_002693.2(POLG):c.146_166del21(Q49_Q55del) as pathogenic or benign. Please note: this variant was assessed in the context of healthy population screening.

NM_002693.3(POLG):c.146_166del (p.Gln49_Gln55del)

Genes: POLGARF (POLG alternative reading frame; minus strand), POLG (DNA polymerase gamma, catalytic subunit; minus strand). Cytogenetic location: 15q26.1.
Variant type: Deletion.
Coding change: c.146_166del on transcript NM_002693.3 (MANE Select); coding-DNA positions 146 to 166, 21 bases deleted (AGCAGCAGCAGCAACAGCAGC).
Protein change: p.Gln49_Gln55del.
Molecular consequence: inframe deletion.
Genome position (GRCh38, 1-based): chr15:89,333,589-89,333,609, GCTGCTGTTGCTGCTGCTGCT deleted on the plus strand (AGCAGCAGCAGCAACAGCAGC on the coding strand, the reverse complement: POLG is on the minus strand); deleting any 21 consecutive bases within chr15:89,333,589-89,333,616 gives the same sequence; the c. name uses the placement nearest the transcript's 3' end. VCF-style (leftmost placement, unchanged base first): chr15-89333588-GGCTGCTGTTGCTGCTGCTGCT-G. GRCh37 (hg19) VCF-style: chr15-89876819-GGCTGCTGTTGCTGCTGCTGCT-G.
Other names: c.201_221del, p.Ala68_Ala74del (NM_001430120.1); c.146_166del, p.Gln49_Gln55del (NM_001126131.2).
Identifiers: ClinVar variation 5004803 (VCV005004803.1).
Genomic context (GRCh38, chr15:89,333,588, plus strand): 5'-ATGTCCAATGGGTTGTGCCGCAGCTGCCCGCCCTCCGAGGATAGCACTTGCGGCTGCTGA[GGCTGCTGTTGCTGCTGCTGCT>G]GCTGCTGCTGCTGCTGCTGCCGCCGCCGCTGCCCGTCGCTGGGGTCGGACGCGGGGACGG-3'